The following is an entry in ClinVar:

NM_002439.5(MSH3):c.586del (p.Thr196fs)

Gene: MSH3 (mutS homolog 3; plus strand). Cytogenetic location: 5q14.1.
Variant type: Deletion.
Coding change: c.586del on transcript NM_002439.5 (MANE Select); coding-DNA position 586, one base deleted (A; older notation c.586delA).
Protein change: p.Thr196fs; shifts the reading frame from threonine 196.
Molecular consequence: frameshift variant.
Genome position (GRCh38, 1-based): chr5:80,670,103, A deleted; the last of 2 consecutive A bases (chr5:80,670,102-80,670,103); deleting either gives the same sequence. VCF-style (leftmost placement, unchanged base first): chr5-80670101-CA-C. GRCh37 (hg19) VCF-style: chr5-79965920-CA-C.
Other names: c.586del (NM_002439.4); short protein forms T196fs.
Identifiers: ClinVar variation 643370 (VCV000643370.17), dbSNP rs771721952, ClinGen allele CA3327648.

ClinVar aggregate classification (germline): Pathogenic/Likely pathogenic. Review status: criteria provided, multiple submitters, no conflicts (2 of 4 stars). 6 submissions from 6 submitters: Pathogenic (3); Likely pathogenic (3). Last evaluated 2025-10-06.

Conditions:
Familial adenomatous polyposis 4 (FAP4). Also called: MSH3-related attenuated familial adenomatous polyposis. Identifiers: Orphanet 480536, MedGen C4310719, MONDO:0044300, OMIM 617100.
Hereditary cancer-predisposing syndrome. Also called: Neoplastic Syndromes, Hereditary; Tumor predisposition; Hereditary neoplastic syndrome; Hereditary Cancer Syndrome. Identifiers: Orphanet 140162, MedGen C0027672, MeSH D009386, MONDO:0015356.
Endometrial carcinoma. Also called: Endometrial carcinoma, somatic. Identifiers: MedGen C0476089, MONDO:0002447, OMIM 608089, HP:0012114.

Submissions (6):

Labcorp Genetics (formerly Invitae), Labcorp
Classification: Pathogenic. Last evaluated: 2025-10-06. Review status: criteria provided, single submitter. Criteria: Invitae Variant Classification Sherloc (09022015). Collection method: clinical testing. Allele origin: germline.
Comment: This sequence change creates a premature translational stop signal (p.Thr196Hisfs*37) in the MSH3 gene. It is expected to result in an absent or disrupted protein product. Loss-of-function variants in MSH3 are known to be pathogenic (PMID: 27476653, 37402566). This variant is present in population databases (rs771721952, gnomAD 0.03%). This variant has not been reported in the literature in individuals affected with MSH3-related conditions. ClinVar contains an entry for this variant (Variation ID: 643370). For these reasons, this variant has been classified as Pathogenic.

Quest Diagnostics Nichols Institute San Juan Capistrano
Classification: Likely pathogenic. Last evaluated: 2024-10-28. Review status: criteria provided, single submitter. Criteria: Quest Diagnostics criteria. Collection method: clinical testing. Allele origin: unknown.
Comment: The MSH3 c.586del (p.Thr196Hisfs*37) variant alters the translational reading frame of the MSH3 mRNA and is predicted to cause the premature termination of MSH3 protein synthesis. This variant has not been reported in individuals with MSH3-related conditions in the published literature. The frequency of this variant in the general population, 0.00025 (4/16216 chromosomes (Genome Aggregation Database)), is consistent with pathogenicity. Based on the available information, this variant is classified as likely pathogenic.

Baylor Genetics
Classification: Likely pathogenic for Endometrial carcinoma. Last evaluated: 2024-01-03. Review status: criteria provided, single submitter. Criteria: ACMG Guidelines, 2015. Collection method: clinical testing. Allele origin: unknown.

GeneDx
Classification: Likely pathogenic. Last evaluated: 2023-12-20. Review status: criteria provided, single submitter. Criteria: GeneDx Variant Classification Process June 2021. Collection method: clinical testing. Allele origin: germline. Affected: yes.
Comment: Frameshift variant predicted to result in protein truncation or nonsense mediated decay in a gene for which loss of function is a known mechanism of disease; Has not been previously published as pathogenic or benign to our knowledge

Myriad Genetics, Inc.
Classification: Pathogenic for Familial adenomatous polyposis 4. Last evaluated: 2023-08-29. Review status: criteria provided, single submitter. Criteria: Myriad Autosomal Dominant, Autosomal Recessive and X-Linked Classification Criteria (2023). Collection method: clinical testing. Allele origin: unknown.
Comment: This variant is considered pathogenic. This variant creates a frameshift predicted to result in premature protein truncation.

Ambry Genetics
Classification: Pathogenic for Hereditary cancer-predisposing syndrome. Last evaluated: 2023-06-16. Review status: criteria provided, single submitter. Criteria: Ambry Variant Classification Scheme 2023. Collection method: clinical testing. Allele origin: germline.
Comment: The c.586delA pathogenic mutation, located in coding exon 4 of the MSH3 gene, results from a deletion of one nucleotide at nucleotide position 586, causing a translational frameshift with a predicted alternate stop codon (p.T196Hfs*37). This alteration is expected to result in loss of function by premature protein truncation or nonsense-mediated mRNA decay. As such, this alteration is interpreted as a disease-causing mutation.

Literature cited by the submitters: PubMed 27476653 (cited by Labcorp Genetics (formerly Invitae), Labcorp); PubMed 37402566 (cited by Labcorp Genetics (formerly Invitae), Labcorp).